The following is an entry in ClinVar:

ClinVar aggregate classification (germline): Uncertain significance. Review status: criteria provided, multiple submitters, no conflicts (2 of 4 stars). 2 submissions from 2 submitters: Uncertain significance (2). Last evaluated 2024-12-14.

Conditions:
Medulloblastoma (MDB). Also called: Medulloblastoma, somatic; MEDULLOBLASTOMA PREDISPOSITION SYNDROME. Identifiers: Orphanet 616, MedGen C0025149, MeSH D008527, MONDO:0007959, OMIM 155255, HP:0002885.
Gorlin syndrome. Also called: Nevoid Basal Cell Carcinoma Syndrome; Basal cell nevus syndrome. Identifiers: Orphanet 377, MedGen C0004779, MONDO:0007187.
Hereditary cancer-predisposing syndrome. Also called: Hereditary neoplastic syndrome; Neoplastic Syndromes, Hereditary; Tumor predisposition; Hereditary Cancer Syndrome. Identifiers: Orphanet 140162, MedGen C0027672, MeSH D009386, MONDO:0015356.

Allele frequency attached by ClinVar (database versions not stated): gnomAD exomes below 0.00001.
gnomAD v4.1: 2 of 1,614,098 alleles (0.00012%); highest among the groups gnomAD compares: Non-Finnish European, 0.000085%; no homozygotes.

Submissions (2):

Ambry Genetics
Classification: Uncertain significance for Hereditary cancer-predisposing syndrome. Last evaluated: 2024-12-14. Review status: criteria provided, single submitter. Criteria: Ambry Variant Classification Scheme 2023. Collection method: clinical testing. Allele origin: germline.
Comment: The p.T196I variant (also known as c.587C>T), located in coding exon 4 of the SUFU gene, results from a C to T substitution at nucleotide position 587. The threonine at codon 196 is replaced by isoleucine, an amino acid with similar properties. This amino acid position is not well conserved in available vertebrate species. In addition, this alteration is predicted to be tolerated by in silico analysis. Based on the available evidence, the clinical significance of this variant remains unclear.

Labcorp Genetics (formerly Invitae), Labcorp
Classification: Uncertain significance for Gorlin syndrome; Medulloblastoma. Last evaluated: 2024-04-29. Review status: criteria provided, single submitter. Criteria: Invitae Variant Classification Sherloc (09022015). Collection method: clinical testing. Allele origin: germline.
Comment: This sequence change replaces threonine, which is neutral and polar, with isoleucine, which is neutral and non-polar, at codon 196 of the SUFU protein (p.Thr196Ile). This variant is not present in population databases (gnomAD no frequency). This variant has not been reported in the literature in individuals affected with SUFU-related conditions. ClinVar contains an entry for this variant (Variation ID: 1022773). Advanced modeling of protein sequence and biophysical properties (such as structural, functional, and spatial information, amino acid conservation, physicochemical variation, residue mobility, and thermodynamic stability) performed at Invitae indicates that this missense variant is not expected to disrupt SUFU protein function with a negative predictive value of 80%. In summary, the available evidence is currently insufficient to determine the role of this variant in disease. Therefore, it has been classified as a Variant of Uncertain Significance.

NM_016169.4(SUFU):c.587C>T (p.Thr196Ile)

Gene: SUFU (SUFU negative regulator of hedgehog signaling; plus strand). Cytogenetic location: 10q24.32.
Variant type: single nucleotide variant.
Coding change: c.587C>T on transcript NM_016169.4 (MANE Select); coding-DNA position 587, C replaced by T.
Protein change: p.Thr196Ile; replaces threonine 196 with isoleucine.
Molecular consequence: missense variant.
Genome position (GRCh38, 1-based): chr10:102,592,714, C>T. VCF-style: chr10-102592714-C-T. GRCh37 (hg19) VCF-style: chr10-104352471-C-T.
Other names: c.587C>T, p.Thr196Ile (NM_001178133.2); c.587C>T (NM_016169.3); short protein forms T196I.
Identifiers: ClinVar variation 1022773 (VCV001022773.10), dbSNP rs2063416715, ClinGen allele CA377908711.